The following is an entry in ClinVar:

ClinVar aggregate classification (germline): Uncertain significance (1 of 4 stars; one submission).

Submission:

Women's Health and Genetics/Laboratory Corporation of America, LabCorp
Classification: Uncertain significance. Last evaluated: 2025-11-25. Review status: criteria provided, single submitter. Criteria: LabCorp Variant Classification Summary - May 2015. Collection method: clinical testing. Allele origin: germline.
Comment: Variant summary: DNM1 c.2061C>A (p.His687Gln) results in a non-conservative amino acid change in the encoded protein sequence. Algorithms developed to predict the effect of missense changes on protein structure and function are either unavailable or do not agree on the potential impact of this missense change. The variant was absent in 250480 control chromosomes. The available data on variant occurrences in the general population are insufficient to allow any conclusion about variant significance. To our knowledge, no occurrence of c.2061C>A in individuals affected with DNM1-related conditions and no experimental evidence demonstrating its impact on protein function have been reported. No submitters have cited clinical-significance assessments for this variant to ClinVar. Based on the evidence outlined above, the variant was classified as uncertain significance.

NM_004408.4(DNM1):c.2061C>A (p.His687Gln)

Gene: DNM1 (dynamin 1; plus strand). Cytogenetic location: 9q34.11.
Variant type: single nucleotide variant.
Coding change: c.2061C>A on transcript NM_004408.4 (MANE Select); coding-DNA position 2061, C replaced by A.
Protein change: p.His687Gln; replaces histidine 687 with glutamine.
Molecular consequence: missense variant.
Genome position (GRCh38, 1-based): chr9:128,248,738, C>A. VCF-style: chr9-128248738-C-A. GRCh37 (hg19) VCF-style: chr9-131011017-C-A.
Other names: c.2061C>A, p.His687Gln (NM_001005336.3, NM_001288737.2, NM_001288738.2 and 2 more transcripts); short protein forms H687Q.
Identifiers: ClinVar variation 4537189 (VCV004537189.1).